The following is an entry in ClinVar:

ClinVar aggregate classification (germline): Benign. Review status: criteria provided, multiple submitters, no conflicts (2 of 4 stars). 2 submissions from 2 submitters: Benign (2). Last evaluated 2018-06-14.

Allele frequency attached by ClinVar (database versions not stated): 1000 Genomes Project 30x 0.20097; 1000 Genomes Project 0.20687; TOPMed 0.21209; gnomAD 0.22205 and 0.22477.
gnomAD v4.1: 347,814 of 1,241,514 alleles (28%); highest among the groups gnomAD compares: Non-Finnish European, 30%; 51,367 homozygotes.

Submissions (2):

GeneDx
Classification: Benign. Last evaluated: 2018-06-14. Review status: criteria provided, single submitter. Criteria: GeneDx Variant Classification (06012015). Collection method: clinical testing. Allele origin: germline. Affected: yes.
Comment: This variant is considered likely benign or benign based on one or more of the following criteria: it is a conservative change, it occurs at a poorly conserved position in the protein, it is predicted to be benign by multiple in silico algorithms, and/or has population frequency not consistent with disease.

Breakthrough Genomics
Classification: Benign. Review status: criteria provided, single submitter. Criteria: ACMG Guidelines, 2015. Collection method: not provided. Allele origin: germline. Inheritance: Autosomal recessive inheritance. Affected: yes.

NM_014141.6(CNTNAP2):c.1778-125G>A

Gene: CNTNAP2 (contactin associated protein 2; plus strand). Cytogenetic location: 7q35.
Variant type: single nucleotide variant.
Coding change: c.1778-125G>A on transcript NM_014141.6 (MANE Select); 125 bases into the intron before coding-DNA position 1778, G replaced by A.
Molecular consequence: intron variant.
Genome position (GRCh38, 1-based): chr7:147,562,013, G>A. VCF-style: chr7-147562013-G-A. GRCh37 (hg19) VCF-style: chr7-147259105-G-A.
Identifiers: ClinVar variation 679932 (VCV000679932.2), dbSNP rs4425670, ClinGen allele CA16318543.